The following is an entry in ClinVar:

NM_001127222.2(CACNA1A):c.167C>G (p.Ala56Gly)

Gene: CACNA1A (calcium voltage-gated channel subunit alpha1 A; minus strand). Cytogenetic location: 19p13.13.
Variant type: single nucleotide variant.
Coding change: c.167C>G on transcript NM_001127222.2 (MANE Select); coding-DNA position 167, C replaced by G.
Protein change: p.Ala56Gly; replaces alanine 56 with glycine.
Molecular consequence: missense variant.
Genome position (GRCh38, 1-based): chr19:13,506,058, G>C on the plus strand (C>G on the coding strand, the complement: CACNA1A is on the minus strand). VCF-style: chr19-13506058-G-C. GRCh37 (hg19) VCF-style: chr19-13616872-G-C.
Other names: c.167C>G, p.Ala56Gly (NM_000068.4, NM_001127221.2, NM_001174080.2 and 1 more transcripts); short protein forms A56G.
Identifiers: ClinVar variation 2943293 (VCV002943293.3), dbSNP rs2513709203, ClinGen allele CA404971060.
Genomic context (GRCh38, chr19:13,506,058, plus strand): 5'-CGGTTAACCGTGAGGCAGTTCTGTCGGACGGGGATGGGGTTGTAGAGTGCCATGGTCCGC[G>C]CTCTCTGCGCCATTGACTGCTTGTACATCCTTTGCGCCCCGGGCTGCCCGCCCTGCCGGC-3'
Protein context (NP_001120694.1, residues 46-66): RMYKQSMAQR[Ala56Gly]RTMALYNPIP

ClinVar aggregate classification (germline): Uncertain significance (1 of 4 stars; one submission).

Conditions:
Episodic ataxia type 2 (EA2). Also called: CEREBELLAR ATAXIA, PAROXYSMAL, ACETAZOLAMIDE-RESPONSIVE; CEREBELLOPATHY, HEREDITARY PAROXYSMAL; EPISODIC ATAXIA, NYSTAGMUS-ASSOCIATED; ACETAZOLAMIDE-RESPONSIVE HEREDITARY PAROXYSMAL CEREBELLAR ATAXIA; ATAXIA, EPISODIC, WITH NYSTAGMUS; ATAXIA, FAMILIAL PAROXYSMAL. Identifiers: Orphanet 97, MedGen C1720416, MONDO:0007163, OMIM 108500.
Developmental and epileptic encephalopathy, 42 (DEE42A). Also called: Epileptic encephalopathy, early infantile, 42; DEVELOPMENTAL AND EPILEPTIC ENCEPHALOPATHY 42A; EPILEPTIC ENCEPHALOPATHY, EARLY INFANTILE, 42A. Identifiers: MedGen C4310716, MONDO:0014917, OMIM 617106.

Submission:

Labcorp Genetics (formerly Invitae), Labcorp
Classification: Uncertain significance for Developmental and epileptic encephalopathy, 42; Episodic ataxia type 2. Last evaluated: 2023-10-12. Review status: criteria provided, single submitter. Criteria: Invitae Variant Classification Sherloc (09022015). Collection method: clinical testing. Allele origin: germline.
Comment: This sequence change replaces alanine, which is neutral and non-polar, with glycine, which is neutral and non-polar, at codon 56 of the CACNA1A protein (p.Ala56Gly). This variant is not present in population databases (gnomAD no frequency). This variant has not been reported in the literature in individuals affected with CACNA1A-related conditions. Advanced modeling of protein sequence and biophysical properties (such as structural, functional, and spatial information, amino acid conservation, physicochemical variation, residue mobility, and thermodynamic stability) performed at Invitae indicates that this missense variant is expected to disrupt CACNA1A protein function. In summary, the available evidence is currently insufficient to determine the role of this variant in disease. Therefore, it has been classified as a Variant of Uncertain Significance.